The following is an entry in ClinVar:

ClinVar aggregate classification (germline): Uncertain significance (1 of 4 stars; one submission).

Allele frequency attached by ClinVar (database versions not stated): gnomAD exomes below 0.00001.
gnomAD v4.1: 1 of 1,613,870 alleles (0.000062%); highest among the groups gnomAD compares: Non-Finnish European, 0.000085%; no homozygotes.

Submission:

Labcorp Genetics (formerly Invitae), Labcorp
Classification: Uncertain significance. Last evaluated: 2021-07-24. Review status: criteria provided, single submitter. Criteria: Invitae Variant Classification Sherloc (09022015). Collection method: clinical testing. Allele origin: germline.
Comment: This sequence change replaces serine with proline at codon 534 of the HPS5 protein (p.Ser534Pro). The serine residue is moderately conserved and there is a moderate physicochemical difference between serine and proline. In summary, the available evidence is currently insufficient to determine the role of this variant in disease. Therefore, it has been classified as a Variant of Uncertain Significance. Algorithms developed to predict the effect of missense changes on protein structure and function (SIFT, PolyPhen-2, Align-GVGD) all suggest that this variant is likely to be tolerated. This variant has not been reported in the literature in individuals affected with HPS5-related conditions. This variant is not present in population databases (ExAC no frequency).

NM_181507.2(HPS5):c.1600T>C (p.Ser534Pro)

Gene: HPS5 (HPS5 biogenesis of lysosomal organelles complex 2 subunit 2; minus strand). Cytogenetic location: 11p15.1.
Variant type: single nucleotide variant.
Coding change: c.1600T>C on transcript NM_181507.2 (MANE Select); coding-DNA position 1600, T replaced by C.
Protein change: p.Ser534Pro; replaces serine 534 with proline.
Molecular consequence: missense variant.
Genome position (GRCh38, 1-based): chr11:18,296,033, A>G on the plus strand (T>C on the coding strand, the complement: HPS5 is on the minus strand). VCF-style: chr11-18296033-A-G. GRCh37 (hg19) VCF-style: chr11-18317580-A-G.
Other names: c.1258T>C, p.Ser420Pro (NM_007216.4, NM_181508.2); short protein forms S420P, S534P.
Identifiers: ClinVar variation 1439408 (VCV001439408.8), dbSNP rs2134326209, ClinGen allele CA379493782.